The following is an entry in ClinVar:

ClinVar aggregate classification (germline): Uncertain significance (1 of 4 stars; one submission).

Conditions:
Cardiovascular phenotype. Identifiers: MedGen CN230736.

Allele frequency attached by ClinVar (database versions not stated): gnomAD exomes below 0.00001; TOPMed below 0.00001.
gnomAD v4.1: 1 of 1,613,948 alleles (0.000062%); highest among the groups gnomAD compares: Non-Finnish European, 0.000085%; no homozygotes.

Submission:

Ambry Genetics
Classification: Uncertain significance for Cardiovascular phenotype. Last evaluated: 2023-08-11. Review status: criteria provided, single submitter. Criteria: Ambry Variant Classification Scheme 2023. Collection method: clinical testing. Allele origin: germline.
Comment: The p.Q993R variant (also known as c.2978A>G), located in coding exon 15 of the DSG2 gene, results from an A to G substitution at nucleotide position 2978. The glutamine at codon 993 is replaced by arginine, an amino acid with highly similar properties. This amino acid position is conserved. In addition, this alteration is predicted to be tolerated by in silico analysis. Since supporting evidence is limited at this time, the clinical significance of this alteration remains unclear.

NM_001943.5(DSG2):c.2978A>G (p.Gln993Arg)

Genes: DSG2 (desmoglein 2; plus strand), DSG2-AS1 (DSG2 antisense RNA 1; minus strand). Cytogenetic location: 18q12.1.
Variant type: single nucleotide variant.
Coding change: c.2978A>G on transcript NM_001943.5 (MANE Select); coding-DNA position 2978, A replaced by G.
Protein change: p.Gln993Arg; replaces glutamine 993 with arginine.
Molecular consequence: missense variant.
Genome position (GRCh38, 1-based): chr18:31,546,364, A>G. VCF-style: chr18-31546364-A-G. GRCh37 (hg19) VCF-style: chr18-29126327-A-G.
Other names: short protein forms Q993R.
Identifiers: ClinVar variation 2625499 (VCV002625499.2), dbSNP rs2073309906, ClinGen allele CA402147626.
Genomic context (GRCh38, chr18:31,546,364, plus strand): 5'-CCTTGGTAGATCAGCCTTATGCTAATGAAGGTACAGTTGTGGTCACTGAAAGAGTAATAC[A>G]GCCTCATGGGGGTGGATCGAATCCTCTGGAAGGCACTCAGCATCTTCAAGATGTACCTTA-3'
Protein context (NP_001934.2, residues 983-1003): GTVVVTERVI[Gln993Arg]PHGGGSNPLE